The following is an entry in ClinVar:

ClinVar aggregate classification (germline): Conflicting classifications of pathogenicity. Review status: criteria provided, conflicting classifications (1 of 4 stars). 2 submissions from 2 submitters: Uncertain significance (1); Likely benign (1). Last evaluated 2024-12-06.

Conditions:
Inborn genetic diseases. Identifiers: MedGen C0950123, MeSH D030342.

Allele frequency attached by ClinVar (database versions not stated): ExAC 0.00001; gnomAD 0.00001; gnomAD exomes 0.00001 and 0.00002; TOPMed 0.00002.
gnomAD v4.1: 25 of 1,613,394 alleles (0.0015%); highest among the groups gnomAD compares: Non-Finnish European, 0.0019%; no homozygotes.

Submissions (2):

Ambry Genetics
Classification: Likely benign for Inborn genetic diseases. Last evaluated: 2024-12-06. Review status: criteria provided, single submitter. Criteria: Ambry Variant Classification Scheme 2023. Collection method: clinical testing. Allele origin: germline.

GeneDx
Classification: Uncertain significance. Last evaluated: 2019-10-14. Review status: criteria provided, single submitter. Criteria: GeneDx Variant Classification Process June 2021. Collection method: clinical testing. Allele origin: germline. Affected: yes.
Comment: Not observed at a significant frequency in large population cohorts (Lek et al., 2016); In silico analysis, which includes protein predictors and evolutionary conservation, supports that this variant does not alter protein structure/function; Has not been previously published as pathogenic or benign to our knowledge

NM_173630.4(RTTN):c.3250A>G (p.Thr1084Ala)

Gene: RTTN (rotatin; minus strand). Cytogenetic location: 18q22.2.
Variant type: single nucleotide variant.
Coding change: c.3250A>G on transcript NM_173630.4 (MANE Select); coding-DNA position 3250, A replaced by G.
Protein change: p.Thr1084Ala; replaces threonine 1084 with alanine.
Molecular consequence: missense variant.
Genome position (GRCh38, 1-based): chr18:70,127,635, T>C on the plus strand (A>G on the coding strand, the complement: RTTN is on the minus strand). VCF-style: chr18-70127635-T-C. GRCh37 (hg19) VCF-style: chr18-67794871-T-C.
Other names: c.514A>G, p.Thr172Ala (NM_001318520.2); short protein forms T1084A, T172A.
Identifiers: ClinVar variation 1309315 (VCV001309315.3), dbSNP rs761597986, ClinGen allele CA8995629.
Genomic context (GRCh38, chr18:70,127,635, plus strand): 5'-ATCTGTCATTCAGAAGATAAAAACTCATCCTGGTGACAGCAGCCCTAACTTCCCTGTGGG[T>C]TGCAGCCTGAACAATGGAATGGAGGCAGTCCTGCAGCCCACTAGCCATGTGTGTTATCTT-3'
Protein context (NP_775901.3, residues 1074-1094): DCLHSIVQAA[Thr1084Ala]HREVRAAVTR